The following is an entry in ClinVar:

GRCh38/hg38 13q33.2(chr13:105209681-105727745)x1

Genes: DAOA (D-amino acid oxidase activator; plus strand), DAOA-AS1 (DAOA antisense RNA 1; minus strand), LINC00343 (long intergenic non-protein coding RNA 343; plus strand), LOC110120930 (VISTA enhancer hs759; plus strand), LOC126861836 (CDK7 strongly-dependent group 2 enhancer GRCh37_chr13:105998132-105999331; plus strand) and 1 more. Cytogenetic location: 13q33.2.
Variant type: copy number loss.
Change: copy number 1 (one copy instead of two) of chr13:105,209,681-105,727,745 (518.1 kb, GRCh38 coordinates, 1-based), cytogenetic band 13q33.2.
Identifiers: ClinVar variation 57242 (VCV000057242.1).

ClinVar aggregate classification (germline): Uncertain significance (1 of 4 stars; one submission).

Submission:

ISCA site 4
Classification: Uncertain significance. Last evaluated: 2011-08-12. Review status: criteria provided, single submitter. Criteria: Kaminsky et al. (Genet Med. 2011). Collection method: clinical testing. Allele origin: maternal. Affected: yes. Observed: 1 variant allele.
Comment: Copy number variation identified through the course of routine clinical cytogenomic testing in postnatal populations. Clinical assertions have been curated as described in Kaminsky et al. 2011.